The following is an entry in ClinVar:

ClinVar aggregate classification (germline): Uncertain significance. Review status: criteria provided, multiple submitters, no conflicts (2 of 4 stars). 3 submissions from 3 submitters: Uncertain significance (3). Last evaluated 2024-06-03.

Conditions:
Myofibrillar myopathy 4. Also called: Zaspopathy (type). Identifiers: Orphanet 98912, MedGen C4721886, MONDO:0012277, OMIM 609452.
Cardiovascular phenotype. Identifiers: MedGen CN230736.

gnomAD v4.1: 2 of 1,613,204 alleles (0.00012%); highest among the groups gnomAD compares: South Asian, 0.0011%; no homozygotes.

Submissions (3):

Labcorp Genetics (formerly Invitae), Labcorp
Classification: Uncertain significance for Myofibrillar myopathy 4. Last evaluated: 2024-06-03. Review status: criteria provided, single submitter. Criteria: Invitae Variant Classification Sherloc (09022015). Collection method: clinical testing. Allele origin: germline.
Comment: The LDB3 gene has multiple clinically relevant transcripts. This variant occurs in alternate transcript NM_007078.3, and corresponds to NM_001080116.1:c.321+1489C>T in the primary transcript. This sequence change replaces arginine, which is basic and polar, with tryptophan, which is neutral and slightly polar, at codon 178 of the LDB3 protein (p.Arg178Trp). This variant is present in population databases (rs730880128, gnomAD 0.006%). This variant has not been reported in the literature in individuals affected with LDB3-related conditions. ClinVar contains an entry for this variant (Variation ID: 519144). Experimental studies and prediction algorithms are not available or were not evaluated, and the functional significance of this variant is currently unknown. Algorithms developed to predict the effect of sequence changes on RNA splicing suggest that this variant is not likely to affect RNA splicing. In summary, the available evidence is currently insufficient to determine the role of this variant in disease. Therefore, it has been classified as a Variant of Uncertain Significance.

GeneDx
Classification: Uncertain significance. Last evaluated: 2020-12-18. Review status: criteria provided, single submitter. Criteria: GeneDx Variant Classification Process June 2021. Collection method: clinical testing. Allele origin: germline. Affected: yes.
Comment: Has not been previously published as pathogenic or benign to our knowledge; Reported in ClinVar as a variant of uncertain significance (ClinVar Variant ID# 519144; Landrum et al., 2016); Not observed at a significant frequency in large population cohorts (Lek et al., 2016); In silico analysis supports that this variant does not alter splicing

Ambry Genetics
Classification: Uncertain significance for Cardiovascular phenotype. Last evaluated: 2017-01-05. Review status: criteria provided, single submitter. Criteria: Ambry Variant Classification Scheme 2023. Collection method: clinical testing. Allele origin: germline.
Comment: The p.R178W variant (also known as c.532C>T), located in coding exon 4 of the LDB3 gene, results from a C to T substitution at nucleotide position 532. The arginine at codon 178 is replaced by tryptophan, an amino acid with dissimilar properties. This amino acid position is poorly conserved in available vertebrate species, and tryptophan is the reference amino acid in other vertebrate species. In addition, this alteration is predicted to be tolerated by in silico analysis. Since supporting evidence is limited at this time, the clinical significance of this alteration remains unclear.

NM_007078.3(LDB3):c.532C>T (p.Arg178Trp)

Gene: LDB3 (LIM domain binding 3; plus strand). Cytogenetic location: 10q23.2.
Variant type: single nucleotide variant.
Coding change: c.532C>T on transcript NM_007078.3 (MANE Select); coding-DNA position 532, C replaced by T.
Protein change: p.Arg178Trp; replaces arginine 178 with tryptophan.
Molecular consequence: missense variant. On other transcripts: intron variant (5).
Genome position (GRCh38, 1-based): chr10:86,681,646, C>T. VCF-style: chr10-86681646-C-T. GRCh37 (hg19) VCF-style: chr10-88441403-C-T.
Other names: c.532C>T, p.Arg178Trp (NM_001080115.2, NM_001171610.2, NM_001171611.2 and 3 more transcripts); c.321+1489C>T (NM_001368068.1, NM_001368066.1, NM_001080114.2 and 2 more transcripts); short protein forms R178W.
Identifiers: ClinVar variation 519144 (VCV000519144.17), dbSNP rs730880128, ClinGen allele CA5584730.
Genomic context (GRCh38, chr10:86,681,646, plus strand): 5'-GCCTCTGACCCTGGCCCTCCGCGGGCCAGCCTGAGGGCCAAGACCAGCCCAGAGGGGGCC[C>T]GGGACCTACTCGGCCCAAAAGCCCTGCCGGGCTCGAGCCAGCCGAGGCAATATAACAACC-3'
Protein context (NP_009009.1, residues 168-188): LRAKTSPEGA[Arg178Trp]DLLGPKALPG